The following is an entry in ClinVar:

ClinVar aggregate classification (germline): Benign/Likely benign. Review status: criteria provided, multiple submitters, no conflicts (2 of 4 stars). 4 submissions from 4 submitters: Benign (2); Likely benign (1). 1 of the submissions does not count toward it. Last evaluated 2026-01-18.

Conditions:
KIAA1549-related disorder. Also called: KIAA1549-related condition.

Allele frequency attached by ClinVar (database versions not stated): gnomAD exomes 0.00035 and 0.00104; ExAC 0.00256; ESP Exome Variant Server 0.00313; gnomAD 0.00376 and 0.00399; TOPMed 0.00433; 1000 Genomes Project 0.00439; 1000 Genomes Project 30x 0.00500.
gnomAD v4.1: 1,087 of 1,566,832 alleles (0.069%); highest among the groups gnomAD compares: African/African-American, 1.3%; 8 homozygotes.

Submissions (4):

Labcorp Genetics (formerly Invitae), Labcorp
Classification: Benign. Last evaluated: 2026-01-18. Review status: criteria provided, single submitter. Criteria: Invitae Variant Classification Sherloc (09022015). Collection method: clinical testing. Allele origin: germline.

Blueprint Genetics
Classification: Likely benign. Last evaluated: 2024-11-01. Review status: criteria provided, single submitter. Criteria: ACMG Guidelines, 2015. Collection method: clinical testing. Allele origin: germline.

Breakthrough Genomics
Classification: Benign. Review status: criteria provided, single submitter. Criteria: ACMG Guidelines, 2015. Collection method: not provided. Allele origin: germline. Inheritance: Autosomal recessive inheritance. Affected: yes.

PreventionGenetics, part of Exact Sciences
Classification: Benign for KIAA1549-related condition. Last evaluated: 2019-11-19. Review status: no assertion criteria provided. Collection method: clinical testing. Allele origin: germline. Not counted in ClinVar's aggregate classification.
Comment: This variant is classified as benign based on ACMG/AMP sequence variant interpretation guidelines (Richards et al. 2015 PMID: 25741868, with internal and published modifications).

NM_001164665.2(KIAA1549):c.5662G>A (p.Gly1888Ser)

Gene: KIAA1549 (KIAA1549; minus strand). Cytogenetic location: 7q34.
Variant type: single nucleotide variant.
Coding change: c.5662G>A on transcript NM_001164665.2 (MANE Select); coding-DNA position 5662, G replaced by A.
Protein change: p.Gly1888Ser; replaces glycine 1888 with serine.
Molecular consequence: missense variant.
Genome position (GRCh38, 1-based): chr7:138,838,097, C>T on the plus strand (G>A on the coding strand, the complement: KIAA1549 is on the minus strand). VCF-style: chr7-138838097-C-T. GRCh37 (hg19) VCF-style: chr7-138522842-C-T.
Other names: c.5614G>A, p.Gly1872Ser (NM_020910.3); short protein forms G1888S, G1872S.
Identifiers: ClinVar variation 719440 (VCV000719440.15), dbSNP rs115152294, ClinGen allele CA4505494.